The following is an entry in ClinVar:

NM_020458.4(TTC7A):c.89C>T (p.Pro30Leu)

Genes: MCFD2 (multiple coagulation factor deficiency 2, ER cargo receptor complex subunit; minus strand), TTC7A (tetratricopeptide repeat domain 7A; plus strand). Cytogenetic location: 2p21.
Variant type: single nucleotide variant.
Coding change: c.89C>T on transcript NM_020458.4 (MANE Select); coding-DNA position 89, C replaced by T.
Protein change: p.Pro30Leu; replaces proline 30 with leucine.
Molecular consequence: missense variant. On other transcripts: 5 prime UTR variant (2), intron variant (1).
Genome position (GRCh38, 1-based): chr2:46,941,630, C>T. VCF-style: chr2-46941630-C-T. GRCh37 (hg19) VCF-style: chr2-47168769-C-T.
Other names: c.89C>T, p.Pro30Leu (NM_001288951.2); c.-816C>T (NM_001288955.2); c.-65G>A (NM_001171508.2); c.34G>A, p.Gly12Ser (NM_001171511.3); c.83-8733C>T (NM_001288953.2); short protein forms G12S, P30L.
Identifiers: ClinVar variation 856340 (VCV000856340.9), dbSNP rs750887765, ClinGen allele CA1647031.

ClinVar aggregate classification (germline): Uncertain significance (1 of 4 stars; one submission).

Conditions:
Multiple gastrointestinal atresias. Also called: Multiple intestinal atresia; FAMILIAL INTESTINAL POLYATRESIA SYNDROME. Identifiers: Orphanet 2300, MedGen C0220744, MONDO:0009465.

Allele frequency attached by ClinVar (database versions not stated): TOPMed 0.00001; gnomAD exomes 0.00002.
gnomAD v4.1: 14 of 1,554,746 alleles (0.0009%); highest among the groups gnomAD compares: Middle Eastern, 0.017%; no homozygotes.

Submission:

Labcorp Genetics (formerly Invitae), Labcorp
Classification: Uncertain significance for Multiple gastrointestinal atresias. Last evaluated: 2019-11-25. Review status: criteria provided, single submitter. Criteria: Invitae Variant Classification Sherloc (09022015). Collection method: clinical testing. Allele origin: germline.
Comment: In summary, the available evidence is currently insufficient to determine the role of this variant in disease. Therefore, it has been classified as a Variant of Uncertain Significance. Algorithms developed to predict the effect of missense changes on protein structure and function output the following: SIFT: "Tolerated"; PolyPhen-2: "Benign"; Align-GVGD: "Class C0". The leucine amino acid residue is found in multiple mammalian species, suggesting that this missense change does not adversely affect protein function. These predictions have not been confirmed by published functional studies and their clinical significance is uncertain. This variant has not been reported in the literature in individuals with TTC7A-related conditions. While this variant is present in population databases (rs750887765), the frequency information is unreliable, as metrics indicate poor data quality at this position in the ExAC database. This sequence change replaces proline with leucine at codon 30 of the TTC7A protein (p.Pro30Leu). The proline residue is weakly conserved and there is a moderate physicochemical difference between proline and leucine.